The following is an entry in ClinVar:

ClinVar aggregate classification (germline): Uncertain significance (1 of 4 stars; one submission).

Conditions:
Short-rib thoracic dysplasia 6 with or without polydactyly (SRTD6). Also called: Majewski Syndrome; SHORT RIB-POLYDACTYLY SYNDROME, TYPE IIA; POLYDACTYLY WITH NEONATAL CHONDRODYSTROPHY, TYPE II; SHORT-RIB THORACIC DYSPLASIA 6 WITH POLYDACTYLY; SHORT-RIB THORACIC DYSPLASIA 6 WITHOUT POLYDACTYLY. Identifiers: MedGen C0024507, MONDO:0009894, OMIM 263520.

Allele frequency attached by ClinVar (database versions not stated): gnomAD 0.00001; gnomAD exomes 0.00001.
gnomAD v4.1: 16 of 1,613,738 alleles (0.00099%); highest among the groups gnomAD compares: South Asian, 0.018%; no homozygotes.

Submission:

Labcorp Genetics (formerly Invitae), Labcorp
Classification: Uncertain significance for Short-rib thoracic dysplasia 6 with or without polydactyly. Last evaluated: 2022-01-27. Review status: criteria provided, single submitter. Criteria: Invitae Variant Classification Sherloc (09022015). Collection method: clinical testing. Allele origin: germline.
Comment: This sequence change replaces valine, which is neutral and non-polar, with alanine, which is neutral and non-polar, at codon 513 of the NEK1 protein (p.Val513Ala). In summary, the available evidence is currently insufficient to determine the role of this variant in disease. Therefore, it has been classified as a Variant of Uncertain Significance. Advanced modeling of protein sequence and biophysical properties (such as structural, functional, and spatial information, amino acid conservation, physicochemical variation, residue mobility, and thermodynamic stability) performed at Invitae indicates that this missense variant is not expected to disrupt NEK1 protein function. This variant has not been reported in the literature in individuals affected with NEK1-related conditions. This variant is present in population databases (no rsID available, gnomAD 0.01%).

NM_001199397.3(NEK1):c.1538T>C (p.Val513Ala)

Gene: NEK1 (NIMA related kinase 1; minus strand). Cytogenetic location: 4q33.
Variant type: single nucleotide variant.
Coding change: c.1538T>C on transcript NM_001199397.3 (MANE Select); coding-DNA position 1538, T replaced by C.
Protein change: p.Val513Ala; replaces valine 513 with alanine.
Molecular consequence: missense variant. On other transcripts: non-coding transcript variant (1), intron variant (3).
Genome position (GRCh38, 1-based): chr4:169,555,744, A>G on the plus strand (T>C on the coding strand, the complement: NEK1 is on the minus strand). VCF-style: chr4-169555744-A-G. GRCh37 (hg19) VCF-style: chr4-170476895-A-G.
Other names: c.1538T>C, p.Val513Ala (NM_001374418.1, NM_001374419.1, NM_012224.4); c.1487T>C, p.Val496Ala (NM_001374420.1); c.1412T>C, p.Val471Ala (NM_001374421.1); c.1355+188T>C (NM_001199399.3); c.1430+188T>C (NM_001199398.3, NM_001199400.3); short protein forms V496A, V471A, V513A.
Identifiers: ClinVar variation 1510170 (VCV001510170.6), dbSNP rs1217426330, ClinGen allele CA358733600.
Genomic context (GRCh38, chr4:169,555,744, plus strand): 5'-ACACATGGATGAATTCATGGATCATCACAGTCCAACCTGTTTGCATTGGCTTGTTTAGAC[A>G]CCGCCTTCAATCTTTTCAAAGTTTTTCTAATATCATCAGCATCAGGAAAATGGTGATGAC-3'
Protein context (NP_001186326.1, residues 503-523): IRKTLKRLKA[Val513Ala]SKQANANRQK